The following is an entry in ClinVar:

ClinVar aggregate classification (germline): Uncertain significance (1 of 4 stars; one submission).

Submission:

GeneDx
Classification: Uncertain significance. Last evaluated: 2023-02-03. Review status: criteria provided, single submitter. Criteria: GeneDx Variant Classification Process June 2021. Collection method: clinical testing. Allele origin: germline. Affected: yes.
Comment: Not observed at significant frequency in large population cohorts (gnomAD); In silico analysis supports that this missense variant has a deleterious effect on protein structure/function; Has not been previously published as pathogenic or benign to our knowledge

NM_000193.4(SHH):c.243C>G (p.Asn81Lys)

Gene: SHH (sonic hedgehog signaling molecule; minus strand). Cytogenetic location: 7q36.3.
Variant type: single nucleotide variant.
Coding change: c.243C>G on transcript NM_000193.4 (MANE Select); coding-DNA position 243, C replaced by G.
Protein change: p.Asn81Lys; replaces asparagine 81 with lysine.
Molecular consequence: missense variant.
Genome position (GRCh38, 1-based): chr7:155,811,880, G>C on the plus strand (C>G on the coding strand, the complement: SHH is on the minus strand). VCF-style: chr7-155811880-G-C. GRCh37 (hg19) VCF-style: chr7-155604574-G-C.
Other names: short protein forms N81K.
Identifiers: ClinVar variation 2574880 (VCV002574880.1), dbSNP rs1475978943, ClinGen allele CA370151269.